The following is an entry in ClinVar:

NM_014365.3(HSPB8):c.283C>G (p.Pro95Ala)

Gene: HSPB8 (heat shock protein family B (small) member 8; plus strand). Cytogenetic location: 12q24.23.
Variant type: single nucleotide variant.
Coding change: c.283C>G on transcript NM_014365.3 (MANE Select); coding-DNA position 283, C replaced by G.
Protein change: p.Pro95Ala; replaces proline 95 with alanine.
Molecular consequence: missense variant.
Genome position (GRCh38, 1-based): chr12:119,179,595, C>G. VCF-style: chr12-119179595-C-G. GRCh37 (hg19) VCF-style: chr12-119617400-C-G.
Other names: short protein forms P95A.
Identifiers: ClinVar variation 3649647 (VCV003649647.2).

ClinVar aggregate classification (germline): Uncertain significance (1 of 4 stars; one submission).

Conditions:
Charcot-Marie-Tooth disease axonal type 2L. Also called: CHARCOT-MARIE-TOOTH DISEASE, AXONAL, AUTOSOMAL DOMINANT, TYPE 2L; CHARCOT-MARIE-TOOTH NEUROPATHY, AXONAL, TYPE 2L; Charcot-Marie-Tooth Neuropathy Type 2L. Identifiers: Orphanet 99945, MedGen C1837552, MONDO:0012096, OMIM 608673.

Submission:

Labcorp Genetics (formerly Invitae), Labcorp
Classification: Uncertain significance for Charcot-Marie-Tooth disease axonal type 2L. Last evaluated: 2024-04-12. Review status: criteria provided, single submitter. Criteria: Invitae Variant Classification Sherloc (09022015). Collection method: clinical testing. Allele origin: germline.
Comment: This sequence change replaces proline, which is neutral and non-polar, with alanine, which is neutral and non-polar, at codon 95 of the HSPB8 protein (p.Pro95Ala). This variant is not present in population databases (gnomAD no frequency). This variant has not been reported in the literature in individuals affected with HSPB8-related conditions. An algorithm developed to predict the effect of missense changes on protein structure and function (PolyPhen-2) suggests that this variant is likely to be disruptive. In summary, the available evidence is currently insufficient to determine the role of this variant in disease. Therefore, it has been classified as a Variant of Uncertain Significance.